The following is an entry in ClinVar:

NM_182961.4(SYNE1):c.14278del (p.His4760fs)

Gene: SYNE1 (spectrin repeat containing nuclear envelope protein 1; minus strand). Cytogenetic location: 6q25.2.
Variant type: Deletion.
Coding change: c.14278del on transcript NM_182961.4 (MANE Select); coding-DNA position 14278, one base deleted (C; older notation c.14278delC).
Protein change: p.His4760fs; shifts the reading frame from histidine 4760.
Molecular consequence: frameshift variant.
Genome position (GRCh38, 1-based): chr6:152,330,407, G deleted on the plus strand (C on the coding strand, the reverse complement: SYNE1 is on the minus strand). VCF-style (leftmost placement, unchanged base first): chr6-152330406-TG-T. GRCh37 (hg19) VCF-style: chr6-152651541-TG-T.
Other names: c.14065del, p.His4689fs (NM_033071.5); short protein forms H4689fs, H4760fs.
Identifiers: ClinVar variation 1356894 (VCV001356894.6), dbSNP rs2153970781, ClinGen allele CA2573140672.

ClinVar aggregate classification (germline): Pathogenic (1 of 4 stars; one submission).

Conditions:
Autosomal recessive ataxia, Beauce type. Also called: SYNE1-Related Autosomal Recessive Cerebellar Ataxia; SYNE1 Deficiency; Spinocerebellar ataxia, autosomal recessive 8; ATAXIA, RECESSIVE, OF BEAUCE. Identifiers: Orphanet 88644, MedGen C1853116, MONDO:0012549, OMIM 610743.
Emery-Dreifuss muscular dystrophy 4, autosomal dominant (EDMD4). Also called: EMERY-DREIFUSS MUSCULAR DYSTROPHY 4 WITH VARIABLE FEATURES. Identifiers: Orphanet 261, MedGen C2751807, MONDO:0013071, OMIM 612998.

Submission:

Labcorp Genetics (formerly Invitae), Labcorp
Classification: Pathogenic for Emery-Dreifuss muscular dystrophy 4, autosomal dominant; Autosomal recessive ataxia, Beauce type. Last evaluated: 2021-12-02. Review status: criteria provided, single submitter. Criteria: Invitae Variant Classification Sherloc (09022015). Collection method: clinical testing. Allele origin: germline.
Comment: For these reasons, this variant has been classified as Pathogenic. This variant has not been reported in the literature in individuals affected with SYNE1-related conditions. This variant is not present in population databases (gnomAD no frequency). This sequence change creates a premature translational stop signal (p.His4689Thrfs*3) in the SYNE1 gene. It is expected to result in an absent or disrupted protein product. Loss-of-function variants in SYNE1 are known to be pathogenic (PMID: 19542096, 24319099, 27086870).

Literature cited by the submitters: PubMed 19542096; PubMed 24319099; PubMed 27086870.